The following is an entry in ClinVar:

NM_004006.3(DMD):c.1567G>C (p.Asp523His)

Gene: DMD (dystrophin; minus strand). Cytogenetic location: Xp21.1.
Variant type: single nucleotide variant.
Coding change: c.1567G>C on transcript NM_004006.3 (MANE Select); coding-DNA position 1567, G replaced by C.
Protein change: p.Asp523His; replaces aspartic acid 523 with histidine.
Molecular consequence: missense variant.
Genome position (GRCh38, 1-based): chrX:32,595,792, C>G on the plus strand (G>C on the coding strand, the complement: DMD is on the minus strand). VCF-style: chrX-32595792-C-G. GRCh37 (hg19) VCF-style: chrX-32613909-C-G.
Other names: c.1543G>C, p.Asp515His (NM_000109.4); c.1555G>C, p.Asp519His (NM_004009.3); c.1198G>C, p.Asp400His (NM_004010.3); short protein forms D523H, D515H, D519H, D400H.
Identifiers: ClinVar variation 1375939 (VCV001375939.6), dbSNP rs754640902, ClinGen allele CA10379815.

ClinVar aggregate classification (germline): Uncertain significance (1 of 4 stars; one submission).

Conditions:
Duchenne muscular dystrophy (DMD). Also called: MUSCULAR DYSTROPHY, PSEUDOHYPERTROPHIC PROGRESSIVE, DUCHENNE TYPE; Duchenne Muscular Dystrophy (DMD). Identifiers: Orphanet 98896, MedGen C0013264, MONDO:0010679, OMIM 310200.

Allele frequency attached by ClinVar (database versions not stated): gnomAD exomes below 0.00001 and 0.00001; ExAC 0.00001.
gnomAD v4.1: 1 of 1,210,263 alleles (0.000083%); highest among the groups gnomAD compares: Admixed American, 0.0022%; no homozygotes.

Submission:

Labcorp Genetics (formerly Invitae), Labcorp
Classification: Uncertain significance for Duchenne muscular dystrophy. Last evaluated: 2021-12-17. Review status: criteria provided, single submitter. Criteria: Invitae Variant Classification Sherloc (09022015). Collection method: clinical testing. Allele origin: germline.
Comment: In summary, the available evidence is currently insufficient to determine the role of this variant in disease. Therefore, it has been classified as a Variant of Uncertain Significance. Algorithms developed to predict the effect of missense changes on protein structure and function (SIFT, PolyPhen-2, Align-GVGD) all suggest that this variant is likely to be disruptive. This variant has not been reported in the literature in individuals affected with DMD-related conditions. This variant is present in population databases (rs754640902, gnomAD 0.004%). This sequence change replaces aspartic acid, which is acidic and polar, with histidine, which is basic and polar, at codon 523 of the DMD protein (p.Asp523His).